The following is an entry in ClinVar:

NM_000264.5(PTCH1):c.334T>C (p.Phe112Leu)

Gene: PTCH1 (patched 1; minus strand). Cytogenetic location: 9q22.32.
Variant type: single nucleotide variant.
Coding change: c.334T>C on transcript NM_000264.5 (MANE Select); coding-DNA position 334, T replaced by C.
Protein change: p.Phe112Leu; replaces phenylalanine 112 with leucine.
Molecular consequence: missense variant. On other transcripts: 5 prime UTR variant (4), non-coding transcript variant (1).
Genome position (GRCh38, 1-based): chr9:95,506,467, A>G on the plus strand (T>C on the coding strand, the complement: PTCH1 is on the minus strand). VCF-style: chr9-95506467-A-G. GRCh37 (hg19) VCF-style: chr9-98268749-A-G.
Other names: c.334T>C (NM_000264.4); c.136T>C, p.Phe46Leu (NM_001083602.3, NM_001354919.2); c.331T>C, p.Phe111Leu (NM_001083603.3); c.-120T>C (NM_001083604.3, NM_001083605.3, NM_001083606.3 and 1 more transcripts); c.334T>C, p.Phe112Leu (NM_001354918.2); short protein forms F111L, F112L, F46L.
Identifiers: ClinVar variation 3427211 (VCV003427211.2).

ClinVar aggregate classification (germline): Uncertain significance. Review status: criteria provided, multiple submitters, no conflicts (2 of 4 stars). 2 submissions from 2 submitters: Uncertain significance (2). Last evaluated 2025-04-02.

Conditions:
Hereditary cancer-predisposing syndrome. Also called: Neoplastic Syndromes, Hereditary; Tumor predisposition; Hereditary Cancer Syndrome; Hereditary neoplastic syndrome. Identifiers: Orphanet 140162, MedGen C0027672, MeSH D009386, MONDO:0015356.

Submissions (2):

Quest Diagnostics Nichols Institute San Juan Capistrano
Classification: Uncertain significance. Last evaluated: 2025-04-02. Review status: criteria provided, single submitter. Criteria: Quest Diagnostics criteria. Collection method: clinical testing. Allele origin: unknown.
Comment: The PTCH1 c.334T>C (p.Phe112Leu) variant has not been reported in individuals with PTCH1-related conditions in the published literature. It also has not been reported in large, multi-ethnic general populations (Genome Aggregation Database). Analysis of this variant using bioinformatics tools for the prediction of the effect of amino acid changes on protein structure and function yielded conflicting predictions that this variant is deleterious or benign. Based on the available information, we are unable to determine the clinical significance of this variant.

Ambry Genetics
Classification: Uncertain significance for Hereditary cancer-predisposing syndrome. Last evaluated: 2024-07-27. Review status: criteria provided, single submitter. Criteria: Ambry Variant Classification Scheme 2023. Collection method: clinical testing. Allele origin: germline.
Comment: The p.F112L variant (also known as c.334T>C), located in coding exon 2 of the PTCH1 gene, results from a T to C substitution at nucleotide position 334. The phenylalanine at codon 112 is replaced by leucine, an amino acid with highly similar properties. This amino acid position is conserved. In addition, this alteration is predicted to be deleterious by in silico analysis. Based on the available evidence, the clinical significance of this variant remains unclear.